The following is an entry in ClinVar:

NM_002234.4(KCNA5):c.320T>G (p.Val107Gly)

Gene: KCNA5 (potassium voltage-gated channel subfamily A member 5; plus strand). Cytogenetic location: 12p13.32.
Variant type: single nucleotide variant.
Coding change: c.320T>G on transcript NM_002234.4 (MANE Select); coding-DNA position 320, T replaced by G.
Protein change: p.Val107Gly; replaces valine 107 with glycine.
Molecular consequence: missense variant.
Genome position (GRCh38, 1-based): chr12:5,044,467, T>G. VCF-style: chr12-5044467-T-G. GRCh37 (hg19) VCF-style: chr12-5153633-T-G.
Other names: short protein forms V107G.
Identifiers: ClinVar variation 2414191 (VCV002414191.6), dbSNP rs1426737347, ClinGen allele CA383463961.
Genomic context (GRCh38, chr12:5,044,467, plus strand): 5'-GGCCTCGACGGCCGCCTCCCGAGGACGAGGAGGAAGAAGGCGATCCCGGCCTGGGCACGG[T>G]GGAGGACCAGGCTCTGGGCACGGCGTCCCTGCACCACCAGCGCGTCCACATCAACATCTC-3'
Protein context (NP_002225.2, residues 97-117): EEEGDPGLGT[Val107Gly]EDQALGTASL

ClinVar aggregate classification (germline): Uncertain significance (1 of 4 stars; one submission).

Conditions:
Atrial fibrillation, familial, 7 (ATFB7). Identifiers: MedGen C2677106, MONDO:0012828, OMIM 612240.

Allele frequency attached by ClinVar (database versions not stated): TOPMed below 0.00001; gnomAD 0.00001.
gnomAD v4.1: 3 of 1,611,478 alleles (0.00019%); highest among the groups gnomAD compares: Non-Finnish European, 0.00025%; no homozygotes.

Submission:

Labcorp Genetics (formerly Invitae), Labcorp
Classification: Uncertain significance for Atrial fibrillation, familial, 7. Last evaluated: 2022-05-31. Review status: criteria provided, single submitter. Criteria: Invitae Variant Classification Sherloc (09022015). Collection method: clinical testing. Allele origin: germline.
Comment: In summary, the available evidence is currently insufficient to determine the role of this variant in disease. Therefore, it has been classified as a Variant of Uncertain Significance. This sequence change replaces valine, which is neutral and non-polar, with glycine, which is neutral and non-polar, at codon 107 of the KCNA5 protein (p.Val107Gly). This variant is present in population databases (no rsID available, gnomAD 0.002%). This variant has not been reported in the literature in individuals affected with KCNA5-related conditions. Algorithms developed to predict the effect of missense changes on protein structure and function (SIFT, PolyPhen-2, Align-GVGD) all suggest that this variant is likely to be tolerated.